The following is an entry in ClinVar:

NM_016239.4(MYO15A):c.9303+1G>T

Gene: MYO15A (myosin XVA; plus strand). Cytogenetic location: 17p11.2.
Variant type: single nucleotide variant.
Coding change: c.9303+1G>T on transcript NM_016239.4 (MANE Select); the canonical splice donor site of the intron after coding-DNA position 9303, G replaced by T.
Molecular consequence: splice donor variant.
Genome position (GRCh38, 1-based): chr17:18,159,680, G>T. VCF-style: chr17-18159680-G-T. GRCh37 (hg19) VCF-style: chr17-18062994-G-T.
Identifiers: ClinVar variation 228374 (VCV000228374.8), dbSNP rs876657708, ClinGen allele CA10577028.

ClinVar aggregate classification (germline): Pathogenic/Likely pathogenic. Review status: criteria provided, multiple submitters, no conflicts (2 of 4 stars). 2 submissions from 2 submitters: Pathogenic (1); Likely pathogenic (1). Last evaluated 2021-11-18.

Conditions:
Rare genetic deafness. Identifiers: Orphanet 96210, MedGen C5680250.

Allele frequency attached by ClinVar (database versions not stated): TOPMed 0.00001.
gnomAD v4.1: 5 of 1,614,112 alleles (0.00031%); highest among the groups gnomAD compares: Non-Finnish European, 0.00034%; no homozygotes.

Submissions (2):

Genetic Services Laboratory, University of Chicago
Classification: Likely pathogenic. Last evaluated: 2021-11-18. Review status: criteria provided, single submitter. Criteria: ACMG Guidelines, 2015. Collection method: clinical testing. Allele origin: germline. Affected: yes.
Comment: DNA sequence analysis of the MYO15A gene demonstrated a sequence change in the canonical splice donor site of intron 55, c.9303+1G>T. This sequence change is predicted to disrupt the canonical splice donor site, and affect normal splicing of exon 55. The c.9303+1G>T change has not been previously described in individual with MYO15A-related disorder. This sequence change has not been described in the gnomAD population database. Collectively, this evidence suggests c.9303+1G>T is likely pathogenic, however, functional studies have not been performed to prove this conclusively.

Laboratory for Molecular Medicine, Mass General Brigham Personalized Medicine
Classification: Pathogenic for Rare genetic deafness. Last evaluated: 2015-06-16. Review status: criteria provided, single submitter. Criteria: LMM Criteria. Collection method: clinical testing. Allele origin: germline. Inheritance: Autosomal recessive inheritance. Observed: 1 variant allele.
Comment: The c.9303+1G>T variant in MYO15A has not been previously reported in individual s with hearing loss and was absent from large population studies. This variant o ccurs in the invariant region (+/- 1/2) of the splice consensus sequence and is predicted to cause altered splicing leading to an abnormal or absent protein. Lo ss-of-function variants in the MYO15A gene are an established disease mechanism for autosomal recessive hearing loss. In summary, this variant meets our criteri a to be classified as pathogenic for hearing loss in an autosomal recessive mann er, based on the predicted impact of the variant.